The following is an entry in ClinVar:

NM_001277115.2(DNAH11):c.11695T>G (p.Phe3899Val)

Gene: DNAH11 (dynein axonemal heavy chain 11; plus strand). Cytogenetic location: 7p15.3.
Variant type: single nucleotide variant.
Coding change: c.11695T>G on transcript NM_001277115.2 (MANE Select); coding-DNA position 11695, T replaced by G.
Protein change: p.Phe3899Val; replaces phenylalanine 3899 with valine.
Molecular consequence: missense variant.
Genome position (GRCh38, 1-based): chr7:21,867,863, T>G. VCF-style: chr7-21867863-T-G. GRCh37 (hg19) VCF-style: chr7-21907481-T-G.
Other names: c.11695T>G (NM_001277115.1); short protein forms F3899V.
Identifiers: ClinVar variation 1043447 (VCV001043447.10), dbSNP rs751430515, ClinGen allele CA4182851.

ClinVar aggregate classification (germline): Conflicting classifications of pathogenicity. Review status: criteria provided, conflicting classifications (1 of 4 stars). 2 submissions from 2 submitters: Uncertain significance (1); Benign (1). Last evaluated 2025-10-13.

Conditions:
Primary ciliary dyskinesia. Also called: Ciliary dyskinesia. Identifiers: Orphanet 244, MedGen C0008780, MONDO:0016575, HP:0012265.

Allele frequency attached by ClinVar (database versions not stated): ExAC 0.00003; gnomAD exomes 0.00003 and 0.00006; gnomAD 0.00004; TOPMed 0.00006.
gnomAD v4.1: 90 of 1,568,654 alleles (0.0057%); highest among the groups gnomAD compares: Non-Finnish European, 0.0078%; no homozygotes.

Submissions (2):

Labcorp Genetics (formerly Invitae), Labcorp
Classification: Benign for Primary ciliary dyskinesia. Last evaluated: 2025-10-13. Review status: criteria provided, single submitter. Criteria: Invitae Variant Classification Sherloc (09022015). Collection method: clinical testing. Allele origin: germline.

Ambry Genetics
Classification: Uncertain significance for Primary ciliary dyskinesia. Last evaluated: 2024-03-12. Review status: criteria provided, single submitter. Criteria: Ambry Variant Classification Scheme 2023. Collection method: clinical testing. Allele origin: germline.
Comment: The p.F3899V variant (also known as c.11695T>G), located in coding exon 72 of the DNAH11 gene, results from a T to G substitution at nucleotide position 11695. The phenylalanine at codon 3899 is replaced by valine, an amino acid with highly similar properties. This amino acid position is well conserved in available vertebrate species. In addition, the in silico prediction for this alteration is inconclusive. Based on the available evidence, the clinical significance of this alteration remains unclear.